The following is an entry in ClinVar:

ClinVar aggregate classification (germline): Uncertain significance. Review status: criteria provided, multiple submitters, no conflicts (2 of 4 stars). 2 submissions from 2 submitters: Uncertain significance (2). Last evaluated 2026-03-20.

Conditions:
Cohen-Gibson syndrome (COGIS). Also called: EED-Related Overgrowth. Identifiers: Orphanet 659396, MedGen C4479654, MONDO:0060510, OMIM 617561.

Allele frequency attached by ClinVar (database versions not stated): gnomAD exomes below 0.00001; ExAC 0.00001.

Submissions (2):

GeneDx
Classification: Uncertain significance. Last evaluated: 2026-03-20. Review status: criteria provided, single submitter. Criteria: GeneDx Variant Classification Process June 2021. Collection method: clinical testing. Allele origin: germline.
Comment: In silico analysis supports that this missense variant has a deleterious effect on protein structure/function; Has not been previously published as pathogenic or benign to our knowledge

Labcorp Genetics (formerly Invitae), Labcorp
Classification: Uncertain significance for Cohen-Gibson syndrome. Last evaluated: 2021-12-08. Review status: criteria provided, single submitter. Criteria: Invitae Variant Classification Sherloc (09022015). Collection method: clinical testing. Allele origin: germline.
Comment: This sequence change replaces arginine, which is basic and polar, with tryptophan, which is neutral and slightly polar, at codon 133 of the EED protein (p.Arg133Trp). This variant is present in population databases (rs745786094, gnomAD 0.0009%). This variant has not been reported in the literature in individuals affected with EED-related conditions. Algorithms developed to predict the effect of missense changes on protein structure and function are either unavailable or do not agree on the potential impact of this missense change (SIFT: "Deleterious"; PolyPhen-2: "Probably Damaging"; Align-GVGD: "Class C0"). In summary, the available evidence is currently insufficient to determine the role of this variant in disease. Therefore, it has been classified as a Variant of Uncertain Significance.

NM_003797.5(EED):c.397C>T (p.Arg133Trp)

Gene: EED (embryonic ectoderm development; plus strand). Cytogenetic location: 11q14.2.
Variant type: single nucleotide variant.
Coding change: c.397C>T on transcript NM_003797.5 (MANE Select); coding-DNA position 397, C replaced by T.
Protein change: p.Arg133Trp; replaces arginine 133 with tryptophan.
Molecular consequence: missense variant.
Genome position (GRCh38, 1-based): chr11:86,255,258, C>T. VCF-style: chr11-86255258-C-T. GRCh37 (hg19) VCF-style: chr11-85966300-C-T.
Other names: c.397C>T, p.Arg133Trp (NM_001308007.2, NM_001330334.2); c.397C>T (NM_003797.4); short protein forms R133W.
Identifiers: ClinVar variation 1487012 (VCV001487012.7), dbSNP rs745786094, ClinGen allele CA6216405.
Genomic context (GRCh38, chr11:86,255,258, plus strand): 5'-TTACTGTATTTTTATTTTCATTAGGTTACCTTGTATGAATGTCATTCACAAGGAGAAATC[C>T]GGTTGTTGCAATCTTACGTGGATGCTGATGTATCCTTTCCTGGGTTTTTAATATCTTTAG-3'
Protein context (NP_003788.2, residues 123-143): LYECHSQGEI[Arg133Trp]LLQSYVDADA